The following is an entry in ClinVar:

NM_001003722.2(GLE1):c.1850_1851insA (p.Thr618fs)

Genes: GLE1 (GLE1 RNA export mediator; plus strand), LOC101929270 (uncharacterized LOC101929270; minus strand). Cytogenetic location: 9q34.11.
Variant type: Insertion.
Coding change: c.1850_1851insA on transcript NM_001003722.2 (MANE Select); coding-DNA positions 1850 to 1851, A inserted.
Protein change: p.Thr618fs; shifts the reading frame from threonine 618.
Molecular consequence: frameshift variant.
Genome position: GRCh38 VCF-style: chr9-128538059-T-TA. GRCh37 (hg19) VCF-style: chr9-131300338-T-TA.
Other names: c.1877_1878insA, p.Thr627fs (NM_001411013.1); c.1850_1851insA, p.Thr618fs (NM_001499.2); short protein forms T627fs, T618fs.
Identifiers: ClinVar variation 2835330 (VCV002835330.3), dbSNP rs2540642684, ClinGen allele CA2739265099.

ClinVar aggregate classification (germline): Pathogenic (1 of 4 stars; one submission).

Submission:

Labcorp Genetics (formerly Invitae), Labcorp
Classification: Pathogenic. Last evaluated: 2023-02-08. Review status: criteria provided, single submitter. Criteria: Invitae Variant Classification Sherloc (09022015). Collection method: clinical testing. Allele origin: germline.
Comment: This variant is not present in population databases (gnomAD no frequency). This variant has not been reported in the literature in individuals affected with GLE1-related conditions. Algorithms developed to predict the effect of sequence changes on RNA splicing suggest that this variant may disrupt the consensus splice site. For these reasons, this variant has been classified as Pathogenic. This sequence change creates a premature translational stop signal (p.Thr618Aspfs*7) in the GLE1 gene. It is expected to result in an absent or disrupted protein product. Loss-of-function variants in GLE1 are known to be pathogenic (PMID: 18204449, 24243016, 27684565).

Literature cited by the submitters: PubMed 18204449; PubMed 24243016; PubMed 27684565.